The following is an entry in ClinVar:

ClinVar aggregate classification (germline): Uncertain significance (1 of 4 stars; one submission).

Conditions:
Hereditary cancer-predisposing syndrome. Also called: Neoplastic Syndromes, Hereditary; Tumor predisposition; Hereditary neoplastic syndrome; Hereditary Cancer Syndrome. Identifiers: Orphanet 140162, MedGen C0027672, MeSH D009386, MONDO:0015356.

Submission:

Ambry Genetics
Classification: Uncertain significance for Hereditary cancer-predisposing syndrome. Last evaluated: 2023-11-02. Review status: criteria provided, single submitter. Criteria: Ambry Variant Classification Scheme 2023. Collection method: clinical testing. Allele origin: germline.
Comment: The p.E1097D variant (also known as c.3291A>T), located in coding exon 19 of the BRIP1 gene, results from an A to T substitution at nucleotide position 3291. The glutamic acid at codon 1097 is replaced by aspartic acid, an amino acid with highly similar properties. This amino acid position is conserved. In addition, this alteration is predicted to be tolerated by in silico analysis. Since supporting evidence is limited at this time, the clinical significance of this alteration remains unclear.

NM_032043.3(BRIP1):c.3291A>T (p.Glu1097Asp)

Gene: BRIP1 (BRCA1 interacting DNA helicase 1; minus strand). Cytogenetic location: 17q23.2.
Variant type: single nucleotide variant.
Coding change: c.3291A>T on transcript NM_032043.3 (MANE Select); coding-DNA position 3291, A replaced by T.
Protein change: p.Glu1097Asp; replaces glutamic acid 1097 with aspartic acid.
Molecular consequence: missense variant.
Genome position (GRCh38, 1-based): chr17:61,683,755, T>A on the plus strand (A>T on the coding strand, the complement: BRIP1 is on the minus strand). VCF-style: chr17-61683755-T-A. GRCh37 (hg19) VCF-style: chr17-59761116-T-A.
Other names: short protein forms E1097D.
Identifiers: ClinVar variation 3228123 (VCV003228123.1), dbSNP rs2061312881, ClinGen allele CA400479045.